The following is an entry in ClinVar:

ClinVar aggregate classification (germline): Uncertain significance. Review status: criteria provided, multiple submitters, no conflicts (2 of 4 stars). 4 submissions from 4 submitters: Uncertain significance (4). Last evaluated 2026-03-16.

Conditions:
Cardiovascular phenotype. Identifiers: MedGen CN230736.

Submissions (4):

Women's Health and Genetics/Laboratory Corporation of America, LabCorp
Classification: Uncertain significance. Last evaluated: 2026-03-16. Review status: criteria provided, single submitter. Criteria: LabCorp Variant Classification Summary - May 2015. Collection method: clinical testing. Allele origin: germline.
Comment: Variant summary: TNXB c.1513_1518dupGGGCGC (p.Gly505_Arg506dup) results in an in-frame duplication that is predicted to duplicate two amino acids into the encoded protein. The variant allele was found at a frequency of 3.4e-05 in 148384 control chromosomes. The available data on variant occurrences in the general population are insufficient to allow any conclusion about variant significance. To our knowledge, no occurrence of c.1513_1518dupGGGCGC in individuals affected with TNXB-related conditions and no experimental evidence demonstrating its impact on protein function have been reported. ClinVar contains an entry for this variant (Variation ID: 1202194). Based on the evidence outlined above, the variant was classified as uncertain significance.

Ambry Genetics
Classification: Uncertain significance for Cardiovascular phenotype. Last evaluated: 2024-10-18. Review status: criteria provided, single submitter. Criteria: Ambry Variant Classification Scheme 2023. Collection method: clinical testing. Allele origin: germline.
Comment: The c.1513_1518dupGGGCGC variant (also known as p.G505_R506dup), located in coding exon 2 of the TNXB gene, results from an in-frame duplication of GGGCGC at nucleotide positions 1513 to 1518. This results in the duplication of 2 extra residues (GR) between codons 505 and 506. This amino acid region is not well conserved in available vertebrate species. In addition, this alteration is predicted to be deleterious by in silico analysis (Choi Y et al. PLoS ONE. 2012; 7(10):e46688). Based on the available evidence, the clinical significance of this variant remains unclear.

CeGaT Center for Human Genetics Tuebingen
Classification: Uncertain significance. Last evaluated: 2024-03-01. Review status: criteria provided, single submitter. Criteria: CeGaT Center For Human Genetics Tuebingen Variant Classification Criteria Version 2. Collection method: clinical testing. Allele origin: germline. Affected: yes. Observed: 2 variant alleles.
Comment: TNXB: PM4, PM2:Supporting

GeneDx
Classification: Uncertain significance. Last evaluated: 2023-10-17. Review status: criteria provided, single submitter. Criteria: GeneDx Variant Classification Process June 2021. Collection method: clinical testing. Allele origin: germline. Affected: yes.
Comment: Has not been previously published as pathogenic or benign to our knowledge; In-frame insertion of two amino acids in a non-repeat region

NM_001365276.2(TNXB):c.1507GGGCGC[3] (p.503GR[3])

Gene: TNXB (tenascin XB; minus strand). Cytogenetic location: 6p21.33.
Variant type: Microsatellite.
Coding change: c.1507GGGCGC[3] on transcript NM_001365276.2 (MANE Select); three copies in a row of the 6-base unit GGGCGC starting at c.1507; the reference has two copies in a row; one copy, 6 bases duplicated.
Protein change: p.503GR[3].
Molecular consequence: inframe insertion.
Genome position (GRCh38, 1-based): chr6:32,096,335-32,096,340, GCGCCC duplicated on the plus strand (GGGCGC on the coding strand, the reverse complement: TNXB is on the minus strand); duplicating any 6 consecutive bases within chr6:32,096,335-32,096,349 gives the same sequence; the position shown is the placement nearest the transcript's 3' end. VCF-style (leftmost placement, unchanged base first): chr6-32096334-A-AGCGCCC. GRCh37 (hg19) VCF-style: chr6-32064111-A-AGCGCCC.
Other names: c.1513_1518dupGGGCGC (NM_019105.6, NM_019105.8); c.1507GGGCGC[3], p.503GR[3] (NM_019105.8).
Identifiers: ClinVar variation 1202194 (VCV001202194.31), dbSNP rs767532350, ClinGen allele CA3735665.